The following is an entry in ClinVar:

NM_024753.5(TTC21B):c.3592_3596del (p.Lys1198fs)

Gene: TTC21B (tetratricopeptide repeat domain 21B; minus strand). Cytogenetic location: 2q24.3.
Variant type: Deletion.
Coding change: c.3592_3596del on transcript NM_024753.5 (MANE Select); coding-DNA positions 3592 to 3596, 5 bases deleted (AAGAG; older notation c.3592_3596delAAGAG).
Protein change: p.Lys1198fs; shifts the reading frame from lysine 1198.
Molecular consequence: frameshift variant.
Genome position (GRCh38, 1-based): chr2:165,883,882-165,883,886, CTCTT deleted on the plus strand (AAGAG on the coding strand, the reverse complement: TTC21B is on the minus strand); deleting any 5 consecutive bases within chr2:165,883,882-165,883,889 gives the same sequence; the c. name uses the placement nearest the transcript's 3' end. VCF-style (leftmost placement, unchanged base first): chr2-165883881-ACTCTT-A. GRCh37 (hg19) VCF-style: chr2-166740391-ACTCTT-A.
Other names: short protein forms K1198fs.
Identifiers: ClinVar variation 2105663 (VCV002105663.4), dbSNP rs2468109553, ClinGen allele CA2580064250.

ClinVar aggregate classification (germline): Pathogenic (1 of 4 stars; one submission).

Conditions:
Nephronophthisis. Also called: Juvenile Nephronophthisis. Identifiers: Orphanet 655, MedGen C0687120, MONDO:0019005, HP:0000090.
Jeune thoracic dystrophy. Also called: Jeune syndrome; Infantile thoracic dystrophy; Thoracic pelvic phalangeal dystrophy; Jeune's syndrome; Chondroectodermal dysplasia-like syndrome; Short-rib thoracic dysplasia. Identifiers: Orphanet 474, MedGen C0265275, MONDO:0018770.

Submission:

Labcorp Genetics (formerly Invitae), Labcorp
Classification: Pathogenic for Jeune thoracic dystrophy; Nephronophthisis. Last evaluated: 2022-03-02. Review status: criteria provided, single submitter. Criteria: Invitae Variant Classification Sherloc (09022015). Collection method: clinical testing. Allele origin: germline.
Comment: For these reasons, this variant has been classified as Pathogenic. This variant has not been reported in the literature in individuals affected with TTC21B-related conditions. This variant is not present in population databases (gnomAD no frequency). This sequence change creates a premature translational stop signal (p.Lys1198Leufs*6) in the TTC21B gene. It is expected to result in an absent or disrupted protein product. Loss-of-function variants in TTC21B are known to be pathogenic (PMID: 18327258, 21068128, 21258341, 23559409, 24876116, 25492405, 27491411, 29068549).

Literature cited by the submitters: PubMed 18327258; PubMed 21068128; PubMed 21258341; PubMed 23559409; PubMed 24876116; PubMed 25492405; PubMed 27491411; PubMed 29068549.